The following is an entry in ClinVar:

NM_004369.4(COL6A3):c.605A>C (p.Asn202Thr)

Gene: COL6A3 (collagen type VI alpha 3 chain; minus strand). Cytogenetic location: 2q37.3.
Variant type: single nucleotide variant.
Coding change: c.605A>C on transcript NM_004369.4 (MANE Select); coding-DNA position 605, A replaced by C.
Protein change: p.Asn202Thr; replaces asparagine 202 with threonine.
Molecular consequence: missense variant. On other transcripts: intron variant (4).
Genome position (GRCh38, 1-based): chr2:237,394,691, T>G on the plus strand (A>C on the coding strand, the complement: COL6A3 is on the minus strand). VCF-style: chr2-237394691-T-G. GRCh37 (hg19) VCF-style: chr2-238303334-T-G.
Other names: c.91+2036A>C (NM_057166.5, NM_057167.4, NM_057164.5 and 1 more transcripts); short protein forms N202T.
Identifiers: ClinVar variation 3681641 (VCV003681641.2).
Genomic context (GRCh38, chr2:237,394,691, plus strand): 5'-CTCACGGATGAATGCACACAGGACACTAAGTTTCCTACTATGTCATGAAGTGAGGTAAAA[T>G]TCTCTAGGTTGAACATATGCATATTGAGCGGTTCACTTGCTATTTCTTTTAACGCTCCTT-3'
Protein context (NP_004360.2, residues 192-212): PLNMHMFNLE[Asn202Thr]FTSLHDIVGN

ClinVar aggregate classification (germline): Uncertain significance (1 of 4 stars; one submission).

Conditions:
Bethlem myopathy 1A. Also called: MYOPATHY, BENIGN CONGENITAL, WITH CONTRACTURES; Bethlem myopathy 1; Bethlem Muscular Dystrophy. Identifiers: Orphanet 610, MedGen CN029274, MONDO:0024530, OMIM 158810.

gnomAD v4.1: 1 of 1,614,218 alleles (0.000062%); highest among the groups gnomAD compares: Non-Finnish European, 0.000085%; no homozygotes.

Submission:

Labcorp Genetics (formerly Invitae), Labcorp
Classification: Uncertain significance for Bethlem myopathy 1A. Last evaluated: 2024-06-08. Review status: criteria provided, single submitter. Criteria: Invitae Variant Classification Sherloc (09022015). Collection method: clinical testing. Allele origin: germline.
Comment: This sequence change replaces asparagine, which is neutral and polar, with threonine, which is neutral and polar, at codon 202 of the COL6A3 protein (p.Asn202Thr). This variant is present in population databases (rs145983482, gnomAD 0.0009%). This variant has not been reported in the literature in individuals affected with COL6A3-related conditions. Advanced modeling of protein sequence and biophysical properties (such as structural, functional, and spatial information, amino acid conservation, physicochemical variation, residue mobility, and thermodynamic stability) performed at Invitae indicates that this missense variant is not expected to disrupt COL6A3 protein function with a negative predictive value of 95%. In summary, the available evidence is currently insufficient to determine the role of this variant in disease. Therefore, it has been classified as a Variant of Uncertain Significance.